The following is an entry in ClinVar:

ClinVar aggregate classification (germline): Uncertain significance (1 of 4 stars; one submission).

Conditions:
Adenylosuccinate lyase deficiency (ADSLD). Also called: ADSL DEFICIENCY. Identifiers: Orphanet 46, MedGen C0268126, MONDO:0007068, OMIM 103050.

Submission:

Labcorp Genetics (formerly Invitae), Labcorp
Classification: Uncertain significance for Adenylosuccinate lyase deficiency. Last evaluated: 2023-12-11. Review status: criteria provided, single submitter. Criteria: Invitae Variant Classification Sherloc (09022015). Collection method: clinical testing. Allele origin: germline.
Comment: This sequence change replaces valine, which is neutral and non-polar, with leucine, which is neutral and non-polar, at codon 457 of the ADSL protein (p.Val457Leu). This variant is not present in population databases (gnomAD no frequency). This variant has not been reported in the literature in individuals affected with ADSL-related conditions. ClinVar contains an entry for this variant (Variation ID: 1499352). An algorithm developed to predict the effect of missense changes on protein structure and function (PolyPhen-2) suggests that this variant is likely to be disruptive. In summary, the available evidence is currently insufficient to determine the role of this variant in disease. Therefore, it has been classified as a Variant of Uncertain Significance.

NM_000026.4(ADSL):c.1369G>T (p.Val457Leu)

Gene: ADSL (adenylosuccinate lyase; plus strand). Cytogenetic location: 22q13.1.
Variant type: single nucleotide variant.
Coding change: c.1369G>T on transcript NM_000026.4 (MANE Select); coding-DNA position 1369, G replaced by T.
Protein change: p.Val457Leu; replaces valine 457 with leucine.
Molecular consequence: missense variant. On other transcripts: non-coding transcript variant (1).
Genome position (GRCh38, 1-based): chr22:40,366,436, G>T. VCF-style: chr22-40366436-G-T. GRCh37 (hg19) VCF-style: chr22-40762440-G-T.
Other names: c.1192G>T, p.Val398Leu (NM_001123378.3); c.1177G>T, p.Val393Leu (NM_001317923.2); c.1369G>T, p.Val457Leu (NM_001363840.3); short protein forms V398L, V393L, V457L.
Identifiers: ClinVar variation 1499352 (VCV001499352.8), dbSNP rs747385959, ClinGen allele CA411648959.